The following is an entry in ClinVar:

ClinVar aggregate classification (germline): Uncertain significance (1 of 4 stars; one submission).

Conditions:
ANKRD1-related dilated cardiomyopathy. Identifiers: MedGen CN119551.

Submission:

Labcorp Genetics (formerly Invitae), Labcorp
Classification: Uncertain significance for ANKRD1-related dilated cardiomyopathy. Last evaluated: 2023-10-25. Review status: criteria provided, single submitter. Criteria: Invitae Variant Classification Sherloc (09022015). Collection method: clinical testing. Allele origin: germline.
Comment: This sequence change replaces alanine, which is neutral and non-polar, with aspartic acid, which is acidic and polar, at codon 50 of the ANKRD1 protein (p.Ala50Asp). This variant is not present in population databases (gnomAD no frequency). This variant has not been reported in the literature in individuals affected with ANKRD1-related conditions. An algorithm developed to predict the effect of missense changes on protein structure and function (PolyPhen-2) suggests that this variant is likely to be tolerated. In summary, the available evidence is currently insufficient to determine the role of this variant in disease. Therefore, it has been classified as a Variant of Uncertain Significance.

NM_014391.3(ANKRD1):c.149C>A (p.Ala50Asp)

Gene: ANKRD1 (ankyrin repeat domain 1; minus strand). Cytogenetic location: 10q23.31.
Variant type: single nucleotide variant.
Coding change: c.149C>A on transcript NM_014391.3 (MANE Select); coding-DNA position 149, C replaced by A.
Protein change: p.Ala50Asp; replaces alanine 50 with aspartic acid.
Molecular consequence: missense variant.
Genome position (GRCh38, 1-based): chr10:90,920,227, G>T on the plus strand (C>A on the coding strand, the complement: ANKRD1 is on the minus strand). VCF-style: chr10-90920227-G-T. GRCh37 (hg19) VCF-style: chr10-92679984-G-T.
Other names: short protein forms A50D.
Identifiers: ClinVar variation 2838968 (VCV002838968.3), dbSNP rs2492962643, ClinGen allele CA377553633.